The following is an entry in ClinVar:

NM_001042750.2(STAG2):c.2548G>A (p.Asp850Asn)

Gene: STAG2 (STAG2 cohesin complex component; plus strand). Cytogenetic location: Xq25.
Variant type: single nucleotide variant.
Coding change: c.2548G>A on transcript NM_001042750.2 (MANE Select); coding-DNA position 2548, G replaced by A.
Protein change: p.Asp850Asn; replaces aspartic acid 850 with asparagine.
Molecular consequence: missense variant.
Genome position (GRCh38, 1-based): chrX:124,076,346, G>A. VCF-style: chrX-124076346-G-A. GRCh37 (hg19) VCF-style: chrX-123210196-G-A.
Other names: c.2548G>A, p.Asp850Asn (NM_001375369.1, NM_001375370.1, NM_001375371.1 and 13 more transcripts); c.2548G>A (NM_001042749.1); short protein forms D850N.
Identifiers: ClinVar variation 1359351 (VCV001359351.9), dbSNP rs765291092, ClinGen allele CA10509025.
Genomic context (GRCh38, chrX:124,076,346, plus strand): 5'-TTGAAATAAAATACAAGATGCTTAATGTTTGGGACTTTTTCTCCAGATGGTCAGCAAGAG[G>A]ATGAAGCCAGTAAAATTGAAGCTCTGCACAAGAGAAGAAATTTACTTGCAGCATTTTGTA-3'
Protein context (NP_001036215.1, residues 840-860): DNNSADGQQE[Asp850Asn]EASKIEALHK

ClinVar aggregate classification (germline): Uncertain significance. Review status: criteria provided, multiple submitters, no conflicts (2 of 4 stars). 2 submissions from 2 submitters: Uncertain significance (2). Last evaluated 2025-03-31.

Conditions:
Inborn genetic diseases. Identifiers: MedGen C0950123, MeSH D030342.

Allele frequency attached by ClinVar (database versions not stated): TOPMed 0.00001; gnomAD 0.00002; gnomAD exomes 0.00001; ExAC 0.00001.
gnomAD v4.1: 2 of 1,207,755 alleles (0.00017%); highest among the groups gnomAD compares: Non-Finnish European, 0.00022%; no homozygotes.

Submissions (2):

Labcorp Genetics (formerly Invitae), Labcorp
Classification: Uncertain significance. Last evaluated: 2025-03-31. Review status: criteria provided, single submitter. Criteria: Invitae Variant Classification Sherloc (09022015). Collection method: clinical testing. Allele origin: germline.
Comment: This sequence change replaces aspartic acid, which is acidic and polar, with asparagine, which is neutral and polar, at codon 850 of the STAG2 protein (p.Asp850Asn). This variant is present in population databases (rs765291092, gnomAD 0.002%). This variant has not been reported in the literature in individuals affected with STAG2-related conditions. ClinVar contains an entry for this variant (Variation ID: 1359351). Invitae Evidence Modeling of protein sequence and biophysical properties (such as structural, functional, and spatial information, amino acid conservation, physicochemical variation, residue mobility, and thermodynamic stability) indicates that this missense variant is not expected to disrupt STAG2 protein function with a negative predictive value of 80%. In summary, the available evidence is currently insufficient to determine the role of this variant in disease. Therefore, it has been classified as a Variant of Uncertain Significance.

Ambry Genetics
Classification: Uncertain significance for Inborn genetic diseases. Last evaluated: 2025-01-27. Review status: criteria provided, single submitter. Criteria: Ambry Variant Classification Scheme 2023. Collection method: clinical testing. Allele origin: germline.